The following is an entry in ClinVar:

ClinVar aggregate classification (germline): Uncertain significance (1 of 4 stars; one submission).

Conditions:
Early-infantile DEE. Also called: Early infantile epileptic encephalopathy with suppression bursts; Early infantile epileptic encephalopathy; Ohtahara syndrome. Identifiers: Orphanet 1934, MedGen C0393706, MONDO:0800491.

gnomAD v4.1: 2 of 1,614,090 alleles (0.00012%); highest among the groups gnomAD compares: African/African-American, 0.0027%; no homozygotes.

Submission:

Labcorp Genetics (formerly Invitae), Labcorp
Classification: Uncertain significance for Early-infantile DEE. Last evaluated: 2025-12-30. Review status: criteria provided, single submitter. Criteria: Invitae Variant Classification Sherloc (09022015). Collection method: clinical testing. Allele origin: germline.
Comment: This sequence change replaces serine, which is neutral and polar, with glycine, which is neutral and non-polar, at codon 2071 of the SPTAN1 protein (p.Ser2071Gly). This variant is not present in population databases (gnomAD no frequency). This variant has not been reported in the literature in individuals affected with SPTAN1-related conditions. An algorithm developed to predict the effect of missense changes on protein structure and function outputs the following: PolyPhen-2: "Benign". The glycine amino acid residue is found in multiple mammalian species, which suggests that this missense change does not adversely affect protein function. In summary, the available evidence is currently insufficient to determine the role of this variant in disease. Therefore, it has been classified as a Variant of Uncertain Significance.

NM_001130438.3(SPTAN1):c.6211A>G (p.Ser2071Gly)

Gene: SPTAN1 (spectrin alpha, non-erythrocytic 1; plus strand). Cytogenetic location: 9q34.11.
Variant type: single nucleotide variant.
Coding change: c.6211A>G on transcript NM_001130438.3 (MANE Select); coding-DNA position 6211, A replaced by G.
Protein change: p.Ser2071Gly; replaces serine 2071 with glycine.
Molecular consequence: missense variant.
Genome position (GRCh38, 1-based): chr9:128,625,910, A>G. VCF-style: chr9-128625910-A-G. GRCh37 (hg19) VCF-style: chr9-131388189-A-G.
Other names: c.6136A>G, p.Ser2046Gly (NM_001195532.2, NM_001438441.1, NM_001438444.1); c.6211A>G, p.Ser2071Gly (NM_001363759.2, NM_001375310.1, NM_001375311.2 and 1 more transcripts); c.6151A>G, p.Ser2051Gly (NM_001363765.2, NM_001375314.2, NM_001438442.1); c.6247A>G, p.Ser2083Gly (NM_001375312.2, NM_001375318.1, NM_001438440.1); c.6196A>G, p.Ser2066Gly (NM_001438443.1, NM_001438445.1, NM_003127.4); short protein forms S2046G, S2066G, S2051G, S2071G, S2083G.
Identifiers: ClinVar variation 4701511 (VCV004701511.1).